The following is an entry in ClinVar:

ClinVar aggregate classification (germline): Uncertain significance (1 of 4 stars; one submission).

Submission:

Ambry Genetics
Classification: Uncertain significance. Last evaluated: 2025-06-30. Review status: criteria provided, single submitter. Criteria: Ambry Variant Classification Scheme 2023. Collection method: clinical testing. Allele origin: germline.
Comment: The p.I95L variant (also known as c.283A>C), located in coding exon 4 of the RINT1 gene, results from an A to C substitution at nucleotide position 283. The isoleucine at codon 95 is replaced by leucine, an amino acid with highly similar properties. This amino acid position is conserved. In addition, this alteration is predicted to be tolerated by in silico analysis. Since supporting evidence is limited at this time, the clinical significance of this alteration remains unclear.

NM_021930.6(RINT1):c.283A>C (p.Ile95Leu)

Gene: RINT1 (RAD50 interactor 1; plus strand). Cytogenetic location: 7q22.3.
Variant type: single nucleotide variant.
Coding change: c.283A>C on transcript NM_021930.6 (MANE Select); coding-DNA position 283, A replaced by C.
Protein change: p.Ile95Leu; replaces isoleucine 95 with leucine.
Molecular consequence: missense variant. On other transcripts: 5 prime UTR variant (3), non-coding transcript variant (1).
Genome position (GRCh38, 1-based): chr7:105,542,417, A>C. VCF-style: chr7-105542417-A-C. GRCh37 (hg19) VCF-style: chr7-105182864-A-C.
Other names: c.49A>C, p.Ile17Leu (NM_001346599.2); c.-737A>C (NM_001346600.2); c.-640A>C (NM_001346601.2); c.-260A>C (NM_001346603.2); short protein forms I17L, I95L.
Identifiers: ClinVar variation 2561615 (VCV002561615.3), dbSNP rs775644844, ClinGen allele CA368802739.